The following is an entry in ClinVar:

ClinVar aggregate classification (germline): Pathogenic/Likely pathogenic. Review status: criteria provided, multiple submitters, no conflicts (2 of 4 stars). 3 submissions from 3 submitters: Pathogenic (1); Likely pathogenic (2). Last evaluated 2025-10-14.

Conditions:
3-methylcrotonyl-CoA carboxylase 1 deficiency (MCC1D). Also called: MCCD TYPE 1; METHYLCROTONYLGLYCINURIA TYPE I; MCC 1 deficiency; 3 Alpha methylcrotonylglycinuria 1. Identifiers: Orphanet 6, MedGen CN028786, MONDO:0008861, OMIM 210200.

Submissions (3):

Natera, Inc.
Classification: Likely pathogenic for 3-methylcrotonyl-CoA carboxylase 1 deficiency. Last evaluated: 2025-10-14. Review status: criteria provided, single submitter. Criteria: Natera Variant Classification Schema (03/2026). Collection method: clinical testing. Allele origin: germline.
Comment: The c.1522_1544delTTATGCCAGGCAGCCCTGGGTCT variant in MCCC1 is a frameshift variant predicted to shift the reading frame beginning at codon 508 and leads to a stop codon 17 codons downstream. This variant is expected to result in nonsense mediated decay, truncation, or a dysfunctional protein product. This variant is rare in the general population with a frequency below the threshold expected for the associated phenotype(s). Given the available evidence, this variant is classified as Likely Pathogenic.

Labcorp Genetics (formerly Invitae), Labcorp
Classification: Pathogenic for 3-methylcrotonyl-CoA carboxylase 1 deficiency. Last evaluated: 2025-07-09. Review status: criteria provided, single submitter. Criteria: Invitae Variant Classification Sherloc (09022015). Collection method: clinical testing. Allele origin: germline.
Comment: This sequence change creates a premature translational stop signal (p.Leu508Hisfs*17) in the MCCC1 gene. It is expected to result in an absent or disrupted protein product. Loss-of-function variants in MCCC1 are known to be pathogenic (PMID: 11181649, 15359379, 22642865). This variant is not present in population databases (gnomAD no frequency). This variant has not been reported in the literature in individuals affected with MCCC1-related conditions. ClinVar contains an entry for this variant (Variation ID: 841106). For these reasons, this variant has been classified as Pathogenic.

Baylor Genetics
Classification: Likely pathogenic for 3-methylcrotonyl-CoA carboxylase 1 deficiency. Last evaluated: 2024-03-28. Review status: criteria provided, single submitter. Criteria: ACMG Guidelines, 2015. Collection method: clinical testing. Allele origin: unknown.

Literature cited by the submitters: PubMed 11181649 (cited by Labcorp Genetics (formerly Invitae), Labcorp); PubMed 15359379 (cited by Labcorp Genetics (formerly Invitae), Labcorp); PubMed 22642865 (cited by Labcorp Genetics (formerly Invitae), Labcorp).

NM_020166.5(MCCC1):c.1522_1544del (p.Leu508fs)

Gene: MCCC1 (methylcrotonyl-CoA carboxylase subunit 1; minus strand). Cytogenetic location: 3q27.1.
Variant type: Deletion.
Coding change: c.1522_1544del on transcript NM_020166.5 (MANE Select); coding-DNA positions 1522 to 1544, 23 bases deleted (TTATGCCAGGCAGCCCTGGGTCT).
Protein change: p.Leu508fs; shifts the reading frame from leucine 508.
Molecular consequence: frameshift variant. On other transcripts: non-coding transcript variant (1).
Genome position (GRCh38, 1-based): chr3:183,037,268-183,037,290, AGACCCAGGGCTGCCTGGCATAA deleted on the plus strand (TTATGCCAGGCAGCCCTGGGTCT on the coding strand, the reverse complement: MCCC1 is on the minus strand); deleting any 23 consecutive bases within chr3:183,037,268-183,037,294 gives the same sequence; the c. name uses the placement nearest the transcript's 3' end. VCF-style (leftmost placement, unchanged base first): chr3-183037267-GAGACCCAGGGCTGCCTGGCATAA-G. GRCh37 (hg19) VCF-style: chr3-182755055-GAGACCCAGGGCTGCCTGGCATAA-G.
Other names: c.1171_1193del, p.Leu391fs (NM_001293273.2); c.1195_1217del, p.Leu399fs (NM_001363880.1); c.1522_1544delTTATGCCAGGCAGCCCTGGGTCT (NM_020166.4); short protein forms L391fs, L399fs, L508fs.
Identifiers: ClinVar variation 841106 (VCV000841106.9), dbSNP rs1713693597, ClinGen allele CA916082617.
Genomic context (GRCh38, chr3:183,037,267, plus strand): 5'-GCCTTCCATACCATGTGCCTGAAGAGTGAAAGTGTCGGTCATGGCTTTCTCCTTGAGGAT[GAGACCCAGGGCTGCCTGGCATAA>G]AGACTCTTTGGCTGCAGCCTTCCGACTGAGCAACAACTGTTTGTGGTGTTGAGGGATGAA-3'